The following is an entry in ClinVar:

NM_022834.5(VWA1):c.1176C>G (p.Gly392=)

Gene: VWA1 (von Willebrand factor A domain containing 1; plus strand). Cytogenetic location: 1p36.33.
Variant type: single nucleotide variant.
Coding change: c.1176C>G on transcript NM_022834.5 (MANE Select); coding-DNA position 1176, C replaced by G.
Protein change: p.Gly392=; no amino-acid change (glycine 392 retained).
Molecular consequence: synonymous variant. On other transcripts: 3 prime UTR variant (1).
Genome position (GRCh38, 1-based): chr1:1,439,625, C>G. VCF-style: chr1-1439625-C-G. GRCh37 (hg19) VCF-style: chr1-1375005-C-G.
Other names: c.*586C>G (NM_199121.3).
Identifiers: ClinVar variation 3341936 (VCV003341936.16).
Genomic context (GRCh38, chr1:1,439,625, plus strand): 5'-GGGCGGGGAGGCGCAGCGGGTGGAGGTGCCCGCGGGCCGCAACTGCACCACGCTGCAGGG[C>G]CTGGCGCCGGGCACCGCCTACCTGGTGACCGTGACCGCCGCCTTCCGCTCGGGCCGCGAG-3'
Protein context (NP_073745.2, residues 382-402): PAGRNCTTLQ[Gly392=]LAPGTAYLVT

ClinVar aggregate classification (germline): Likely benign (1 of 4 stars; one submission).

gnomAD v4.1: 164 of 1,313,256 alleles (0.012%); highest among the groups gnomAD compares: African/African-American, 0.25%; no homozygotes.

Submission:

CeGaT Center for Human Genetics Tuebingen
Classification: Likely benign. Last evaluated: 2024-08-01. Review status: criteria provided, single submitter. Criteria: CeGaT Center For Human Genetics Tuebingen Variant Classification Criteria Version 2. Collection method: clinical testing. Allele origin: germline. Affected: yes. Observed: 1 variant allele.
Comment: VWA1: BP4, BP7